The following is an entry in ClinVar:

NM_017514.5(PLXNA3):c.4812G>T (p.Thr1604=)

Gene: PLXNA3 (plexin A3; plus strand). Cytogenetic location: Xq28.
Variant type: single nucleotide variant.
Coding change: c.4812G>T on transcript NM_017514.5 (MANE Select); coding-DNA position 4812, G replaced by T.
Protein change: p.Thr1604=; no amino-acid change (threonine 1604 retained).
Molecular consequence: synonymous variant.
Genome position (GRCh38, 1-based): chrX:154,469,993, G>T. VCF-style: chrX-154469993-G-T. GRCh37 (hg19) VCF-style: chrX-153698336-G-T.
Identifiers: ClinVar variation 4998751 (VCV004998751.1).

ClinVar aggregate classification (germline): Likely benign (1 of 4 stars; one submission).

Conditions:
PLXNA3-related disorder. Also called: PLXNA3-related condition.

gnomAD v4.1: 2 of 1,211,112 alleles (0.00017%); highest among the groups gnomAD compares: Non-Finnish European, 0.00022%; no homozygotes.

Submission:

PreventionGenetics, part of Exact Sciences
Classification: Likely benign for PLXNA3-related condition. Last evaluated: 2025-09-03. Review status: criteria provided, single submitter. Criteria: ACMG Guidelines, 2015. Collection method: clinical testing. Allele origin: germline.
Comment: This variant is classified as likely benign based on ACMG/AMP sequence variant interpretation guidelines (Richards et al. 2015 PMID: 25741868, with internal and published modifications).